The following is an entry in ClinVar:

NM_032383.5(HPS3):c.*724A>G

Genes: CP (ceruloplasmin; minus strand), HPS3 (HPS3 biogenesis of lysosomal organelles complex 2 subunit 1; plus strand). Cytogenetic location: 3q24.
Variant type: single nucleotide variant.
Coding change: c.*724A>G on transcript NM_032383.5 (MANE Select); 724 bases downstream of the stop codon, A replaced by G.
Molecular consequence: 3 prime UTR variant.
Genome position (GRCh38, 1-based): chr3:149,172,946, A>G. VCF-style: chr3-149172946-A-G. GRCh37 (hg19) VCF-style: chr3-148890733-A-G.
Other names: c.*768T>C (NM_000096.4); c.*724A>G (NM_001308258.2).
Identifiers: ClinVar variation 343743 (VCV000343743.7), dbSNP rs35805816, ClinGen allele CA10617491.
Genomic context (GRCh38, chr3:149,172,946, plus strand): 5'-TTTTTGTTGATGTGTACTCTTGCTCTTTTAGCTAGAGTGTATGTGAAAATAAAGAAATAC[A>G]TCATTGTATTCACAACCATGTGTCTTCATTTATAACTTTTTGTTTAAAAAATTTTTAGTT-3'

ClinVar aggregate classification (germline): Benign/Likely benign. Review status: criteria provided, multiple submitters, no conflicts (2 of 4 stars). 2 submissions from 2 submitters: Benign (1); Likely benign (1). Last evaluated 2018-01-13.

Conditions:
Hermansky-Pudlak syndrome 3 (HPS3). Identifiers: Orphanet 231512, Orphanet 79430, MedGen C3888001, MONDO:0013555, OMIM 614072.

Allele frequency attached by ClinVar (database versions not stated): gnomAD 0.01238 and 0.01348; TOPMed 0.01387; 1000 Genomes Project 0.01198; 1000 Genomes Project 30x 0.01234.

Submissions (2):

Illumina Laboratory Services, Illumina
Classification: Benign for Hermansky-Pudlak syndrome 3. Last evaluated: 2018-01-13. Review status: criteria provided, single submitter. Criteria: ICSL Variant Classification Criteria 13 December 2019. Collection method: clinical testing. Allele origin: germline.
Comment: This variant was observed in the ICSL laboratory as part of a predisposition screen in an ostensibly healthy population. It had not been previously curated by ICSL or reported in the Human Gene Mutation Database (HGMD: prior to June 1st, 2018), and was therefore a candidate for classification through an automated scoring system. Utilizing variant allele frequency, disease prevalence and penetrance estimates, and inheritance mode, an automated score was calculated to assess if this variant is too frequent to cause the disease. Based on the score and internal cut-off values, a variant classified as benign is not then subjected to further curation. The score for this variant resulted in a classification of benign for this disease.

Breakthrough Genomics
Classification: Likely benign. Review status: criteria provided, single submitter. Criteria: ACMG Guidelines, 2015. Collection method: not provided. Allele origin: germline. Inheritance: Autosomal recessive inheritance. Affected: yes.